The following is an entry in ClinVar:

ClinVar aggregate classification (germline): Conflicting classifications of pathogenicity. Review status: criteria provided, conflicting classifications (1 of 4 stars). 5 submissions from 5 submitters: Uncertain significance (3); Likely benign (2). Last evaluated 2025-08-21.

Conditions:
Inborn genetic diseases. Identifiers: MedGen C0950123, MeSH D030342.

Allele frequency attached by ClinVar (database versions not stated): ExAC 0.00006; gnomAD exomes 0.00009 and 0.00036; TOPMed 0.00011; gnomAD 0.00012 and 0.00014; ESP Exome Variant Server 0.00015.
gnomAD v4.1: 530 of 1,611,470 alleles (0.033%); highest among the groups gnomAD compares: Non-Finnish European, 0.044%; no homozygotes.

Submissions (5):

Labcorp Genetics (formerly Invitae), Labcorp
Classification: Likely benign. Last evaluated: 2025-08-21. Review status: criteria provided, single submitter. Criteria: Invitae Variant Classification Sherloc (09022015). Collection method: clinical testing. Allele origin: germline.

GeneDx
Classification: Uncertain significance. Last evaluated: 2024-09-05. Review status: criteria provided, single submitter. Criteria: GeneDx Variant Classification Process June 2021. Collection method: clinical testing. Allele origin: germline. Affected: yes.
Comment: In silico analysis indicates that this missense variant does not alter protein structure/function; Has not been previously published as pathogenic or benign in association with an SPTBN2-related disorder to our knowledge; This variant is associated with the following publications: (PMID: 26740555, 28719003)

Blueprint Genetics
Classification: Uncertain significance. Last evaluated: 2023-12-05. Review status: criteria provided, single submitter. Criteria: ACMG Guidelines, 2015. Collection method: clinical testing. Allele origin: germline.

Ambry Genetics
Classification: Uncertain significance for Inborn genetic diseases. Last evaluated: 2021-06-15. Review status: criteria provided, single submitter. Criteria: Ambry Variant Classification Scheme 2023. Collection method: clinical testing. Allele origin: germline.

Athena Diagnostics
Classification: Likely benign. Last evaluated: 2018-09-26. Review status: criteria provided, single submitter. Criteria: Athena Diagnostics Criteria. Collection method: clinical testing. Allele origin: germline.

NM_006946.4(SPTBN2):c.6572C>T (p.Pro2191Leu)

Gene: SPTBN2 (spectrin beta, non-erythrocytic 2; minus strand). Cytogenetic location: 11q13.2.
Variant type: single nucleotide variant.
Coding change: c.6572C>T on transcript NM_006946.4 (MANE Select); coding-DNA position 6572, C replaced by T.
Protein change: p.Pro2191Leu; replaces proline 2191 with leucine.
Molecular consequence: missense variant.
Genome position (GRCh38, 1-based): chr11:66,687,577, G>A on the plus strand (C>T on the coding strand, the complement: SPTBN2 is on the minus strand). VCF-style: chr11-66687577-G-A. GRCh37 (hg19) VCF-style: chr11-66455048-G-A.
Other names: short protein forms P2191L.
Identifiers: ClinVar variation 805372 (VCV000805372.11), dbSNP rs199880827, ClinGen allele CA6127853.